The following is an entry in ClinVar:

NM_001387691.1(POM121):c.1575C>T (p.Pro525=)

Gene: POM121 (POM121 transmembrane nucleoporin; plus strand). Cytogenetic location: 7q11.23.
Variant type: single nucleotide variant.
Coding change: c.1575C>T on transcript NM_001387691.1 (MANE Select); coding-DNA position 1575, C replaced by T.
Protein change: p.Pro525=; no amino-acid change (proline 525 retained).
Molecular consequence: synonymous variant.
Genome position (GRCh38, 1-based): chr7:72,940,425, C>T. VCF-style: chr7-72940425-C-T. GRCh37 (hg19) VCF-style: chr7-72410964-C-T.
Other names: c.780C>T, p.Pro260= (NM_001387698.1, NM_001387699.1, NM_001387700.1 and 16 more transcripts); c.492C>T, p.Pro164= (NM_001387705.1); c.1575C>T, p.Pro525= (NM_001387692.1); c.1287C>T, p.Pro429= (NM_001387693.1).
Identifiers: ClinVar variation 3388161 (VCV003388161.14).

ClinVar aggregate classification (germline): Likely benign (1 of 4 stars; one submission).

Submission:

CeGaT Center for Human Genetics Tuebingen
Classification: Likely benign. Last evaluated: 2025-09-01. Review status: criteria provided, single submitter. Criteria: CeGaT Center For Human Genetics Tuebingen Variant Classification Criteria Version 2. Collection method: clinical testing. Allele origin: germline. Affected: yes. Observed: 2 variant alleles.
Comment: POM121: BP4, BP7